The following is an entry in ClinVar:

NM_001113407.3(LDB1):c.665T>C (p.Met222Thr)

Gene: LDB1 (LIM domain binding 1; minus strand). Cytogenetic location: 10q24.32.
Variant type: single nucleotide variant.
Coding change: c.665T>C on transcript NM_001113407.3 (MANE Select); coding-DNA position 665, T replaced by C.
Protein change: p.Met222Thr; replaces methionine 222 with threonine.
Molecular consequence: missense variant.
Genome position (GRCh38, 1-based): chr10:102,109,667, A>G on the plus strand (T>C on the coding strand, the complement: LDB1 is on the minus strand). VCF-style: chr10-102109667-A-G. GRCh37 (hg19) VCF-style: chr10-103869424-A-G.
Other names: c.665T>C, p.Met222Thr (NM_001321612.2); c.557T>C, p.Met186Thr (NM_003893.5); short protein forms M186T, M222T.
Identifiers: ClinVar variation 5037383 (VCV005037383.1).
Genomic context (GRCh38, chr10:102,109,667, plus strand): 5'-TAGTTGAGAGTGGAATTGGACAGCCCACACCGAGTGATGTTTTTGGAGAGCTGATCCAAC[A>G]TCTGGGGGTCTTGGGCCTAGAGTGGGAGAAAAGACAAGAAAGAACACTGACACCTGGGTT-3'
Protein context (NP_001106878.1, residues 212-232): ILAMHAQDPQ[Met222Thr]LDQLSKNITR

ClinVar aggregate classification (germline): Uncertain significance (1 of 4 stars; one submission).

Submission:

GeneDx
Classification: Uncertain significance. Last evaluated: 2026-04-17. Review status: criteria provided, single submitter. Criteria: GeneDx Variant Classification Process June 2021. Collection method: clinical testing. Allele origin: germline.
Comment: Not observed at significant frequency in large population cohorts (gnomAD); In silico analysis supports that this missense variant has a deleterious effect on protein structure/function; Has not been previously published as pathogenic or benign to our knowledge